The following is an entry in ClinVar:

ClinVar aggregate classification (germline): Uncertain significance. Review status: criteria provided, multiple submitters, no conflicts (2 of 4 stars). 2 submissions from 2 submitters: Uncertain significance (2). Last evaluated 2024-02-22.

Conditions:
Aicardi-Goutieres syndrome 7 (AGS7). Identifiers: Orphanet 51, MedGen C3888244, MONDO:0014367, OMIM 615846.
Singleton-Merten syndrome 1 (SGMRT1). Also called: Widened medullary cavities of bone, aortic calcification, abnormal dentition, and muscular weakness; Syndrome of widened medullary cavities of the metacarpals and phalanges, aortic calcification and abnormal dentition. Identifiers: Orphanet 85191, MedGen C4225427, MONDO:0024535, OMIM 182250.

Allele frequency attached by ClinVar (database versions not stated): gnomAD 0.00001.
gnomAD v4.1: 1 of 1,613,494 alleles (0.000062%); highest among the groups gnomAD compares: African/African-American, 0.0013%; no homozygotes.

Submissions (2):

Labcorp Genetics (formerly Invitae), Labcorp
Classification: Uncertain significance for Aicardi-Goutieres syndrome 7; Singleton-Merten syndrome 1. Last evaluated: 2024-02-22. Review status: criteria provided, single submitter. Criteria: Invitae Variant Classification Sherloc (09022015). Collection method: clinical testing. Allele origin: germline.
Comment: This sequence change replaces cysteine, which is neutral and slightly polar, with tyrosine, which is neutral and polar, at codon 964 of the IFIH1 protein (p.Cys964Tyr). This variant is present in population databases (no rsID available, gnomAD 0.01%). This variant has not been reported in the literature in individuals affected with IFIH1-related conditions. ClinVar contains an entry for this variant (Variation ID: 2432802). Advanced modeling of protein sequence and biophysical properties (such as structural, functional, and spatial information, amino acid conservation, physicochemical variation, residue mobility, and thermodynamic stability) has been performed at Invitae for this missense variant, however the output from this modeling did not meet the statistical confidence thresholds required to predict the impact of this variant on IFIH1 protein function. In summary, the available evidence is currently insufficient to determine the role of this variant in disease. Therefore, it has been classified as a Variant of Uncertain Significance.

Revvity Omics, Revvity
Classification: Uncertain significance. Last evaluated: 2022-09-28. Review status: criteria provided, single submitter. Criteria: ACMG Guidelines, 2015. Collection method: clinical testing. Allele origin: germline.

NM_022168.4(IFIH1):c.2891G>A (p.Cys964Tyr)

Gene: IFIH1 (interferon induced with helicase C domain 1; minus strand). Cytogenetic location: 2q24.2.
Variant type: single nucleotide variant.
Coding change: c.2891G>A on transcript NM_022168.4 (MANE Select); coding-DNA position 2891, G replaced by A.
Protein change: p.Cys964Tyr; replaces cysteine 964 with tyrosine.
Molecular consequence: missense variant.
Genome position (GRCh38, 1-based): chr2:162,267,486, C>T on the plus strand (G>A on the coding strand, the complement: IFIH1 is on the minus strand). VCF-style: chr2-162267486-C-T. GRCh37 (hg19) VCF-style: chr2-163123996-C-T.
Other names: short protein forms C964Y.
Identifiers: ClinVar variation 2432802 (VCV002432802.5), dbSNP rs1388945749, ClinGen allele CA348989589.